The following is an entry in ClinVar:

NM_144687.4(NLRP12):c.2605_2607dup (p.Thr869_Ala870insThr)

Gene: NLRP12 (NLR family pyrin domain containing 12; minus strand). Cytogenetic location: 19q13.42.
Variant type: Duplication.
Coding change: c.2605_2607dup on transcript NM_144687.4 (MANE Select); coding-DNA positions 2605 to 2607, 3 bases duplicated (ACT; older notation c.2605_2607dupACT).
Protein change: p.Thr869_Ala870insThr.
Molecular consequence: inframe insertion.
Genome position (GRCh38, 1-based): chr19:53,801,376-53,801,378, AGT duplicated on the plus strand (ACT on the coding strand, the reverse complement: NLRP12 is on the minus strand). VCF-style (leftmost placement, unchanged base first): chr19-53801375-C-CAGT. GRCh37 (hg19) VCF-style: chr19-54304629-C-CAGT.
Other names: c.2605_2607dup (NM_144687.2); c.2608_2610dup, p.Thr870_Ala871insThr (NM_001277126.2); c.2605_2607dup, p.Thr869_Ala870insThr (NM_001277129.1).
Identifiers: ClinVar variation 2798170 (VCV002798170.4), dbSNP rs1555793622, ClinGen allele CA883499696.

ClinVar aggregate classification (germline): Uncertain significance. Review status: criteria provided, multiple submitters, no conflicts (2 of 4 stars). 2 submissions from 2 submitters: Uncertain significance (2). Last evaluated 2024-01-02.

Conditions:
Familial cold autoinflammatory syndrome 2 (FCAS2). Identifiers: Orphanet 247868, MedGen C2673198, MONDO:0012724, OMIM 611762.

Allele frequency attached by ClinVar (database versions not stated): gnomAD exomes below 0.00001; TOPMed 0.00001; gnomAD 0.00002.

Submissions (2):

GeneDx
Classification: Uncertain significance. Last evaluated: 2024-01-02. Review status: criteria provided, single submitter. Criteria: GeneDx Variant Classification Process June 2021. Collection method: clinical testing. Allele origin: germline. Affected: yes.
Comment: Not observed at significant frequency in large population cohorts (gnomAD); In-frame duplication of 1 amino acid in a non-repeat region; In silico analysis supports that this variant does not alter protein structure/function; Has not been previously published as pathogenic or benign to our knowledge

Labcorp Genetics (formerly Invitae), Labcorp
Classification: Uncertain significance for Familial cold autoinflammatory syndrome 2. Last evaluated: 2023-11-19. Review status: criteria provided, single submitter. Criteria: Invitae Variant Classification Sherloc (09022015). Collection method: clinical testing. Allele origin: germline.
Comment: This variant, c.2605_2607dup, results in the insertion of 1 amino acid(s) of the NLRP12 protein (p.Thr869dup), but otherwise preserves the integrity of the reading frame. This variant is not present in population databases (gnomAD no frequency). This variant has not been reported in the literature in individuals affected with NLRP12-related conditions. In summary, the available evidence is currently insufficient to determine the role of this variant in disease. Therefore, it has been classified as a Variant of Uncertain Significance.